The following is an entry in ClinVar:

NM_000543.5(SMPD1):c.1081C>T (p.Arg361Cys)

Gene: SMPD1 (sphingomyelin phosphodiesterase 1; plus strand). Cytogenetic location: 11p15.4.
Variant type: single nucleotide variant.
Coding change: c.1081C>T on transcript NM_000543.5 (MANE Select); coding-DNA position 1081, C replaced by T.
Protein change: p.Arg361Cys; replaces arginine 361 with cysteine.
Molecular consequence: missense variant. On other transcripts: synonymous variant (1), non-coding transcript variant (1).
Genome position (GRCh38, 1-based): chr11:6,392,146, C>T. VCF-style: chr11-6392146-C-T. GRCh37 (hg19) VCF-style: chr11-6413376-C-T.
Other names: p.Arg361Cys; c.1078C>T, p.Arg360Cys (NM_001007593.3); c.1081C>T, p.Arg361Cys (NM_001318087.2, NM_001365135.2); c.120C>T, p.Cys40= (NM_001318088.2); short protein forms R360C, R361C.
Identifiers: ClinVar variation 1032424 (VCV001032424.4), dbSNP rs370198638, ClinGen allele CA5852749.

ClinVar aggregate classification (germline): Uncertain significance. Review status: criteria provided, multiple submitters, no conflicts (2 of 4 stars). 3 submissions from 3 submitters: Uncertain significance (2). 1 of the submissions does not count toward it. Last evaluated 2025-07-08.

Conditions:
SMPD1-related disorder. Also called: SMPD1-related condition.
Niemann-Pick disease, type A. Also called: SPHINGOMYELIN LIPIDOSIS; SPHINGOMYELINASE DEFICIENCY; Infantile Neurovisceral ASMD (Niemann-Pick Disease Type A; NPD-A). Identifiers: Orphanet 77292, MedGen C0268242, MONDO:0009756, OMIM 257200. Disease mechanism: loss of function.

Allele frequency attached by ClinVar (database versions not stated): ExAC 0.00002; gnomAD exomes 0.00003; TOPMed 0.00006; gnomAD 0.00007 and 0.00009; ESP Exome Variant Server 0.00008.
gnomAD v4.1: 128 of 1,613,940 alleles (0.0079%); highest among the groups gnomAD compares: Non-Finnish European, 0.0099%; no homozygotes.

Submissions (3):

Mayo Clinic Laboratories, Mayo Clinic
Classification: Uncertain significance. Last evaluated: 2025-07-08. Review status: criteria provided, single submitter. Criteria: ACMG Guidelines, 2015. Collection method: clinical testing. Allele origin: germline. Observed: 1 variant allele.
Comment: PM2_supporting

Baylor Genetics
Classification: Uncertain significance for Niemann-Pick disease, type A. Last evaluated: 2018-06-29. Review status: criteria provided, single submitter. Criteria: ACMG Guidelines, 2015. Collection method: clinical testing. Allele origin: unknown. Affected: yes.
Comment: This variant was determined to be of uncertain significance according to ACMG Guidelines, 2015 [PMID:25741868].

PreventionGenetics, part of Exact Sciences
Classification: Uncertain significance for SMPD1-related condition. Last evaluated: 2024-02-07. Review status: no assertion criteria provided. Collection method: clinical testing. Allele origin: germline. Not counted in ClinVar's aggregate classification.
Comment: The SMPD1 c.1081C>T variant is predicted to result in the amino acid substitution p.Arg361Cys. To our knowledge, this variant has not been reported in the literature. This variant is reported in 0.0080% of alleles in individuals of African descent in gnomAD. At this time, the clinical significance of this variant is uncertain due to the absence of conclusive functional and genetic evidence.